The following is an entry in ClinVar:

NM_001033855.3(DCLRE1C):c.247A>G (p.Ile83Val)

Gene: DCLRE1C (DNA cross-link repair 1C; minus strand). Cytogenetic location: 10p13.
Variant type: single nucleotide variant.
Coding change: c.247A>G on transcript NM_001033855.3 (MANE Select); coding-DNA position 247, A replaced by G.
Protein change: p.Ile83Val; replaces isoleucine 83 with valine.
Molecular consequence: missense variant. On other transcripts: 5 prime UTR variant (9), non-coding transcript variant (4).
Genome position (GRCh38, 1-based): chr10:14,939,869, T>C on the plus strand (A>G on the coding strand, the complement: DCLRE1C is on the minus strand). VCF-style: chr10-14939869-T-C. GRCh37 (hg19) VCF-style: chr10-14981868-T-C.
Other names: NM_001033855.3(DCLRE1C):c.247A>G; p.Ile83Val; c.-114A>G (NM_001033857.3, NM_001033858.3, NM_001289077.2 and 2 more transcripts); c.-43A>G (NM_001289076.2, NM_001289078.2, NM_001350966.2 and 1 more transcripts); c.247A>G, p.Ile83Val (NM_001350965.2); short protein forms I83V.
Identifiers: ClinVar variation 1515264 (VCV001515264.5), dbSNP rs746658739, ClinGen allele CA5416943.

ClinVar aggregate classification (germline): Uncertain significance. Review status: reviewed by expert panel (3 of 4 stars). 2 submissions from 2 submitters: Uncertain significance (1). 1 of the submissions does not count toward it. Last evaluated 2024-02-15.

Conditions:
Severe combined immunodeficiency due to DCLRE1C deficiency (RS-SCID). Also called: SCID, AUTOSOMAL RECESSIVE, T CELL-NEGATIVE, B CELL-NEGATIVE, NK CELL-POSITIVE, WITH SENSITIVITY TO IONIZING RADIATION. Identifiers: Orphanet 275, MedGen C1865371, MONDO:0011225, OMIM 602450.

Allele frequency attached by ClinVar (database versions not stated): gnomAD exomes below 0.00001; ExAC 0.00001.

Submissions (2):

ClinGen Severe Combined Immunodeficiency Variant Curation Expert Panel, ClinGen
Classification: Uncertain significance for Severe combined immunodeficiency due to DCLRE1C deficiency. Last evaluated: 2024-02-15. Review status: reviewed by expert panel. Criteria: ClinGen SCID ACMG Specifications DCLRE1C V1.0.0. Collection method: curation. Allele origin: germline. Inheritance: Autosomal recessive inheritance.
Comment: The c.247A>G (NM_001033855.3) variant in DCLRE1C is a missense variant predicted to cause the substitution of Isoleucine by Valine at amino acid 83 (p.Ile83Val). The filtering allele frequency (the upper threshold of the 95% CI of 3/84132 alleles) of the c.247A>G variant in DCLRE1C is 0.000009470 for South Asian chromosomes by gnomAD v4, which is lower than the ClinGen SCID VCEP threshold (<0.00003266) for PM2_Supporting, and therefore meets this criterion (PM2_Supporting). No homozygotes have been observed in gnomAD. Another missense variant NM_001033855.3(DCLRE1C):c.247A>C (p.Ile83Leu) in the same codon has been reported; However, this variant was classified as VUS by the ClinGen SCID VCEP (PM5 not met). To our knowledge, this variant has not been reported in the literature in individuals affected with DCLRE1C-related conditions or in functional studies. In summary, this variant meets the criteria to be classified as a Variant of Uncertain Significance for autosomal recessive severe combined immunodeficiency due to DCLRE1C deficiency based on the ACMG/AMP criteria applied, as specified by the ClinGen SCID VCEP: PM2_Supporting (VCEP specifications version 1).

Labcorp Genetics (formerly Invitae), Labcorp
Classification: Uncertain significance for Athabaskan severe combined immunodeficiency. Last evaluated: 2022-11-01. Review status: criteria provided, single submitter. Criteria: Invitae Variant Classification Sherloc (09022015). Collection method: clinical testing. Allele origin: germline. Not counted in ClinVar's aggregate classification.
Comment: This sequence change replaces isoleucine, which is neutral and non-polar, with valine, which is neutral and non-polar, at codon 83 of the DCLRE1C protein (p.Ile83Val). This variant is present in population databases (rs746658739, gnomAD 0.003%). This variant has not been reported in the literature in individuals affected with DCLRE1C-related conditions. ClinVar contains an entry for this variant (Variation ID: 1515264). Algorithms developed to predict the effect of missense changes on protein structure and function output the following: SIFT: "Tolerated"; PolyPhen-2: "Benign"; Align-GVGD: "Class C0". The valine amino acid residue is found in multiple mammalian species, which suggests that this missense change does not adversely affect protein function. In summary, the available evidence is currently insufficient to determine the role of this variant in disease. Therefore, it has been classified as a Variant of Uncertain Significance.